The following is an entry in ClinVar:

ClinVar aggregate classification (germline): Uncertain significance (1 of 4 stars; one submission).

Conditions:
SEMA3B-related disorder. Also called: SEMA3B-related condition.

gnomAD v4.1: 256 of 1,612,496 alleles (0.016%); highest among the groups gnomAD compares: Non-Finnish European, 0.021%; no homozygotes.

Submission:

PreventionGenetics, part of Exact Sciences
Classification: Uncertain significance for SEMA3B-related condition. Last evaluated: 2026-06-02. Review status: criteria provided, single submitter. Criteria: ACMG Guidelines, 2015. Collection method: clinical testing. Allele origin: germline.
Comment: The SEMA3B c.887C>T variant is predicted to result in the amino acid substitution p.Pro296Leu. The p.Pro296Leu amino acid change has been reported in an obese patient presenting with various neurological features, including epilepsy, and recurrent infections (van der Klaauw et al. 2019. PubMed ID: 30661757). A functional study showed that the p.Pro296Leu variant lead to decreased secretion of SEMA3B protein (van der Klaauw et al. 2019. PubMed ID: 30661757). This variant is reported in 0.0087% of alleles in individuals of European (Non-Finnish) descent in gnomAD. At this time, the clinical significance of this variant is uncertain due to the absence of conclusive functional and genetic evidence.

NM_001290060.2(SEMA3B):c.887C>T (p.Pro296Leu)

Gene: SEMA3B (semaphorin 3B; plus strand). Cytogenetic location: 3p21.31.
Variant type: single nucleotide variant.
Coding change: c.887C>T on transcript NM_001290060.2 (MANE Select); coding-DNA position 887, C replaced by T.
Protein change: p.Pro296Leu; replaces proline 296 with leucine.
Molecular consequence: missense variant. On other transcripts: 5 prime UTR variant (2), non-coding transcript variant (1).
Genome position (GRCh38, 1-based): chr3:50,273,611, C>T. VCF-style: chr3-50273611-C-T. GRCh37 (hg19) VCF-style: chr3-50311042-C-T.
Other names: c.887C>T, p.Pro296Leu (NM_001005914.3, NM_001290061.1, NM_004636.4); c.-140C>T (NM_001290062.2); c.-143C>T (NM_001290063.2); short protein forms P296L.
Identifiers: ClinVar variation 3350453 (VCV003350453.2).